The following is an entry in ClinVar:

NM_000535.7(PMS2):c.804-26G>A

Gene: PMS2 (PMS1 homolog 2, mismatch repair system component; minus strand). Cytogenetic location: 7p22.1.
Variant type: single nucleotide variant.
Coding change: c.804-26G>A on transcript NM_000535.7 (MANE Select); 26 bases into the intron before coding-DNA position 804, G replaced by A.
Molecular consequence: intron variant.
Genome position (GRCh38, 1-based): chr7:5,995,659, C>T on the plus strand (G>A on the coding strand, the complement: PMS2 is on the minus strand). VCF-style: chr7-5995659-C-T. GRCh37 (hg19) VCF-style: chr7-6035290-C-T.
Other names: c.486-26G>A (NM_001322008.2, NM_001406902.1, NM_001406883.1 and 4 more transcripts); c.495-26G>A (NM_001406881.1, NM_001406879.1, NM_001322015.2 and 6 more transcripts); c.399-26G>A (NM_001406895.1, NM_001322010.2, NM_001322004.2 and 19 more transcripts); c.133-3602G>A (NM_001406911.1); c.291-26G>A (NM_001406904.1, NM_001406905.1); c.231-26G>A (NM_001322013.2, NM_001406909.1); c.-130-26G>A (NM_001322012.2, NM_001322011.2); c.468-26G>A (NM_001406885.1); and 8 more.
Identifiers: ClinVar variation 3903644 (VCV003903644.1).
Genomic context (GRCh38, chr7:5,995,659, plus strand): 5'-CTCCATGCGTGCATTGTGAAATGAAACCTGAGATGCTATTCAACATTAATATGGTAAGGG[C>T]AGGATTCCAGAGTGAAAGGGATTAGAAATACGATCACATGGCACATTCTTAAAGTGAAAT-3'

ClinVar aggregate classification (germline): Benign (1 of 4 stars; one submission).

Conditions:
Lynch syndrome 4 (LYNCH4). Also called: Colorectal cancer, hereditary nonpolyposis, type 4; Hereditary non-polyposis colorectal cancer, type 4. Identifiers: Orphanet 144, MedGen C1838333, MONDO:0013699, OMIM 614337. Disease mechanism: loss of function.

gnomAD v4.1: 18 of 1,470,636 alleles (0.0012%); highest among the groups gnomAD compares: Admixed American, 0.03%; no homozygotes.

Submission:

Myriad Genetics, Inc.
Classification: Benign for Lynch syndrome 4. Last evaluated: 2025-01-28. Review status: criteria provided, single submitter. Criteria: Myriad Autosomal Dominant, Autosomal Recessive and X-Linked Classification Criteria (2023). Collection method: clinical testing. Allele origin: unknown.
Comment: This variant is considered benign. This variant is intronic and is not expected to impact mRNA splicing.